The following is an entry in ClinVar:

ClinVar aggregate classification (germline): Likely benign. Review status: criteria provided, multiple submitters, no conflicts (2 of 4 stars). 2 submissions from 2 submitters: Likely benign (2). Last evaluated 2025-11-21.

Conditions:
Ornithine carbamoyltransferase deficiency (OTCD). Also called: Ornithine Carbamoyltransferase Deficiency Disease; ORNITHINE TRANSCARBAMYLASE DEFICIENCY; ORNITHINE TRANSCARBAMYLASE DEFICIENCY, HYPERAMMONEMIA DUE TO; OTC DEFICIENCY. Identifiers: Orphanet 664, MedGen C0268542, MONDO:0010703, OMIM 311250.

Allele frequency attached by ClinVar (database versions not stated): gnomAD exomes below 0.00001 and 0.00001; TOPMed 0.00002.
gnomAD v4.1: 4 of 1,045,720 alleles (0.00038%); highest among the groups gnomAD compares: Non-Finnish European, 0.00053%; no homozygotes.

Submissions (2):

Labcorp Genetics (formerly Invitae), Labcorp
Classification: Likely benign for Ornithine carbamoyltransferase deficiency. Last evaluated: 2025-11-21. Review status: criteria provided, single submitter. Criteria: Invitae Variant Classification Sherloc (09022015). Collection method: clinical testing. Allele origin: germline.

All of Us Research Program, National Institutes of Health
Classification: Likely benign for Ornithine carbamoyltransferase deficiency. Last evaluated: 2023-07-22. Review status: criteria provided, single submitter. Criteria: ACMG Guidelines, 2015. Collection method: clinical testing. Allele origin: germline. Inheritance: X-linked inheritance. Observed: 2 variant alleles, 1 heterozygote, 1 homozygote.
Comment: This study involves interpretation of variants in research participants for the purpose of population health screening. Participant phenotype was not available at the time of variant classification. Additional details can be found in publication PMID: 35346344, PMCID: PMC8962531

NM_000531.6(OTC):c.217-13C>G

Gene: OTC (ornithine transcarbamylase; plus strand). Cytogenetic location: Xp11.4.
Variant type: single nucleotide variant.
Coding change: c.217-13C>G on transcript NM_000531.6 (MANE Select); 13 bases into the intron before coding-DNA position 217, C replaced by G.
Molecular consequence: intron variant.
Genome position (GRCh38, 1-based): chrX:38,369,783, C>G. VCF-style: chrX-38369783-C-G. GRCh37 (hg19) VCF-style: chrX-38229036-C-G.
Identifiers: ClinVar variation 1615336 (VCV001615336.9), dbSNP rs1465869489, ClinGen allele CA640863692.